The following is an entry in ClinVar:

NM_004369.4(COL6A3):c.4900+9C>T

Gene: COL6A3 (collagen type VI alpha 3 chain; minus strand). Cytogenetic location: 2q37.3.
Variant type: single nucleotide variant.
Coding change: c.4900+9C>T on transcript NM_004369.4 (MANE Select); 9 bases into the intron after coding-DNA position 4900, C replaced by T.
Molecular consequence: intron variant.
Genome position (GRCh38, 1-based): chr2:237,368,554, G>A on the plus strand (C>T on the coding strand, the complement: COL6A3 is on the minus strand). VCF-style: chr2-237368554-G-A. GRCh37 (hg19) VCF-style: chr2-238277197-G-A.
Other names: c.3079+9C>T (NM_057166.5); c.4282+9C>T (NM_057167.4).
Identifiers: ClinVar variation 285987 (VCV000285987.61), dbSNP rs117345850, ClinGen allele CA2188785.

ClinVar aggregate classification (germline): Conflicting classifications of pathogenicity. Review status: criteria provided, conflicting classifications (1 of 4 stars). 8 submissions from 8 submitters: Uncertain significance (2); Benign (2); Likely benign (3). 1 of the submissions does not count toward it. Last evaluated 2026-01-07.

Conditions:
COL6A3-related disorder. Also called: COL6A3-related disorders; COL6A3-related condition.
Dystonia 27 (DYT27). Identifiers: Orphanet 464440, MedGen C4225336, MONDO:0014627, OMIM 616411.
Collagen 6-related myopathy. Identifiers: MedGen CN117976, MONDO:0100225.
Bethlem myopathy 1A. Also called: Bethlem myopathy 1; Bethlem Muscular Dystrophy; MYOPATHY, BENIGN CONGENITAL, WITH CONTRACTURES. Identifiers: Orphanet 610, MedGen CN029274, MONDO:0024530, OMIM 158810.

Allele frequency attached by ClinVar (database versions not stated): gnomAD 0.00026 and 0.00038; ESP Exome Variant Server 0.00038; TOPMed 0.00053; 1000 Genomes Project 30x 0.00172; 1000 Genomes Project 0.00200.
gnomAD v4.1: 845 of 1,613,802 alleles (0.052%); highest among the groups gnomAD compares: East Asian, 1.2%; 8 homozygotes.

Submissions (8):

Labcorp Genetics (formerly Invitae), Labcorp
Classification: Benign for Bethlem myopathy 1A. Last evaluated: 2026-01-07. Review status: criteria provided, single submitter. Criteria: Invitae Variant Classification Sherloc (09022015). Collection method: clinical testing. Allele origin: germline.

Blueprint Genetics
Classification: Likely benign. Last evaluated: 2024-06-07. Review status: criteria provided, single submitter. Criteria: ACMG Guidelines, 2015. Collection method: clinical testing. Allele origin: germline.

CeGaT Center for Human Genetics Tuebingen
Classification: Likely benign. Last evaluated: 2022-09-01. Review status: criteria provided, single submitter. Criteria: CeGaT Center For Human Genetics Tuebingen Variant Classification Criteria Version 2. Collection method: clinical testing. Allele origin: germline. Affected: yes. Observed: 1 variant allele.
Comment: COL6A3: BS1

Department of Neurology, Xijing Hospital, Fourth Military Medical University
Classification: Uncertain significance for Dystonia 27. Last evaluated: 2022-03-01. Review status: criteria provided, single submitter. Criteria: ACMG Guidelines, 2015. Collection method: clinical testing. Allele origin: germline.

Illumina Laboratory Services, Illumina
Classification: Benign for Collagen VI-related myopathy. Last evaluated: 2018-01-12. Review status: criteria provided, single submitter. Criteria: ICSL Variant Classification Criteria 13 December 2019. Collection method: clinical testing. Allele origin: germline.
Comment: This variant was observed in the ICSL laboratory as part of a predisposition screen in an ostensibly healthy population. It had not been previously curated by ICSL or reported in the Human Gene Mutation Database (HGMD: prior to June 1st, 2018), and was therefore a candidate for classification through an automated scoring system. Utilizing variant allele frequency, disease prevalence and penetrance estimates, and inheritance mode, an automated score was calculated to assess if this variant is too frequent to cause the disease. Based on the score and internal cut-off values, a variant classified as benign is not then subjected to further curation. The score for this variant resulted in a classification of benign for this disease.

GeneDx
Classification: Likely benign. Last evaluated: 2016-09-21. Review status: criteria provided, single submitter. Criteria: GeneDx Variant Classification (06012015). Collection method: clinical testing. Allele origin: germline. Affected: yes.
Comment: This variant is considered likely benign or benign based on one or more of the following criteria: it is a conservative change, it occurs at a poorly conserved position in the protein, it is predicted to be benign by multiple in silico algorithms, and/or has population frequency not consistent with disease.

Eurofins Ntd Llc (ga)
Classification: Uncertain significance. Last evaluated: 2016-02-02. Review status: criteria provided, single submitter. Criteria: EGL Classification Definitions 2015. Collection method: clinical testing. Allele origin: germline. Observed: 2 variant alleles, 2 heterozygotes.

PreventionGenetics, part of Exact Sciences
Classification: Likely benign for COL6A3-related condition. Last evaluated: 2019-06-03. Review status: no assertion criteria provided. Collection method: clinical testing. Allele origin: germline. Not counted in ClinVar's aggregate classification.
Comment: This variant is classified as likely benign based on ACMG/AMP sequence variant interpretation guidelines (Richards et al. 2015 PMID: 25741868, with internal and published modifications).